The following is an entry in ClinVar:

NM_001388492.1(HTT):c.5536A>G (p.Thr1846Ala)

Gene: HTT (huntingtin; plus strand). Cytogenetic location: 4p16.3.
Variant type: single nucleotide variant.
Coding change: c.5536A>G on transcript NM_001388492.1 (MANE Select); coding-DNA position 5536, A replaced by G.
Protein change: p.Thr1846Ala; replaces threonine 1846 with alanine.
Molecular consequence: missense variant.
Genome position (GRCh38, 1-based): chr4:3,199,899, A>G. VCF-style: chr4-3199899-A-G. GRCh37 (hg19) VCF-style: chr4-3201626-A-G.
Other names: c.5542A>G, p.Thr1848Ala (NM_002111.8); short protein forms T1846A, T1848A.
Identifiers: ClinVar variation 1366977 (VCV001366977.6), dbSNP rs1180584015, ClinGen allele CA356077506.

ClinVar aggregate classification (germline): Uncertain significance (1 of 4 stars; one submission).

Allele frequency attached by ClinVar (database versions not stated): gnomAD exomes below 0.00001 and 0.00001; TOPMed below 0.00001; gnomAD 0.00001.
gnomAD v4.1: 3 of 1,613,936 alleles (0.00019%); highest among the groups gnomAD compares: Admixed American, 0.0033%; no homozygotes.

Submission:

Labcorp Genetics (formerly Invitae), Labcorp
Classification: Uncertain significance. Last evaluated: 2022-03-19. Review status: criteria provided, single submitter. Criteria: Invitae Variant Classification Sherloc (09022015). Collection method: clinical testing. Allele origin: germline.
Comment: In summary, the available evidence is currently insufficient to determine the role of this variant in disease. Therefore, it has been classified as a Variant of Uncertain Significance. Experimental studies and prediction algorithms are not available or were not evaluated, and the functional significance of this variant is currently unknown. This variant has not been reported in the literature in individuals affected with HTT-related conditions. This variant is present in population databases (no rsID available, gnomAD 0.006%). This sequence change replaces threonine, which is neutral and polar, with alanine, which is neutral and non-polar, at codon 1848 of the HTT protein (p.Thr1848Ala).